The following is an entry in ClinVar:

NM_002474.3(MYH11):c.5379G>T (p.Gln1793His)

Genes: MYH11 (myosin heavy chain 11; minus strand), NDE1 (nudE neurodevelopment protein 1; plus strand). Cytogenetic location: 16p13.11.
Variant type: single nucleotide variant.
Coding change: c.5379G>T on transcript NM_002474.3 (MANE Select); coding-DNA position 5379, G replaced by T.
Protein change: p.Gln1793His; replaces glutamine 1793 with histidine.
Molecular consequence: missense variant. On other transcripts: intron variant (2).
Genome position (GRCh38, 1-based): chr16:15,717,265, C>A on the plus strand (G>T on the coding strand, the complement: MYH11 is on the minus strand). VCF-style: chr16-15717265-C-A. GRCh37 (hg19) VCF-style: chr16-15811122-C-A.
Other names: c.5400G>T, p.Gln1800His (NM_001040113.2, NM_001040114.2); c.5379G>T, p.Gln1793His (NM_022844.3); c.948-6926C>A (NM_001143979.2, NM_017668.3); short protein forms Q1793H, Q1800H.
Identifiers: ClinVar variation 4690067 (VCV004690067.1).

ClinVar aggregate classification (germline): Uncertain significance (1 of 4 stars; one submission).

Submission:

GeneDx
Classification: Uncertain significance. Last evaluated: 2025-07-30. Review status: criteria provided, single submitter. Criteria: GeneDx Variant Classification Process June 2021. Collection method: clinical testing. Allele origin: germline. Affected: yes.
Comment: Not observed at significant frequency in large population cohorts (gnomAD); In silico analysis supports that this missense variant has a deleterious effect on protein structure/function; Has not been previously published as pathogenic or benign to our knowledge